The following is an entry in ClinVar:

NM_000051.4(ATM):c.3744T>C (p.Tyr1248=)

Gene: ATM (ATM serine/threonine kinase; plus strand). Cytogenetic location: 11q22.3.
Variant type: single nucleotide variant.
Coding change: c.3744T>C on transcript NM_000051.4 (MANE Select); coding-DNA position 3744, T replaced by C.
Protein change: p.Tyr1248=; no amino-acid change (tyrosine 1248 retained).
Molecular consequence: synonymous variant.
Genome position (GRCh38, 1-based): chr11:108,282,877, T>C. VCF-style: chr11-108282877-T-C. GRCh37 (hg19) VCF-style: chr11-108153604-T-C.
Other names: c.3744T>C, p.Tyr1248= (NM_001351834.2).
Identifiers: ClinVar variation 453489 (VCV000453489.14), dbSNP rs1555092589, ClinGen allele CA476673401.

ClinVar aggregate classification (germline): Conflicting classifications of pathogenicity. Review status: criteria provided, conflicting classifications (1 of 4 stars). 5 submissions from 5 submitters: Uncertain significance (2); Benign (1); Likely benign (2). Last evaluated 2025-09-18.

Conditions:
Hereditary cancer-predisposing syndrome. Also called: Tumor predisposition; Hereditary Cancer Syndrome; Neoplastic Syndromes, Hereditary; Hereditary neoplastic syndrome. Identifiers: Orphanet 140162, MedGen C0027672, MeSH D009386, MONDO:0015356.
Familial cancer of breast. Also called: Hereditary breast cancer; hereditary breast carcinoma; BREAST CANCER, FAMILIAL. Identifiers: Orphanet 227535, MedGen C0346153, MONDO:0016419, OMIM 114480. Disease mechanism: loss of function.
Ataxia-telangiectasia syndrome (AT). Also called: Cerebello-oculocutaneous telangiectasia; Immunodeficiency with ataxia telangiectasia; Ataxia-telangiectasia, complementation group D; AT, COMPLEMENTATION GROUP C; Ataxia-telangiectasia, complementation group E; LOUIS-BAR SYNDROME. Identifiers: Orphanet 100, MedGen C0004135, MONDO:0008840, OMIM 208900.

Allele frequency attached by ClinVar (database versions not stated): TOPMed 0.00001.

Submissions (5):

Quest Diagnostics Nichols Institute San Juan Capistrano
Classification: Uncertain significance. Last evaluated: 2025-09-18. Review status: criteria provided, single submitter. Criteria: Quest Diagnostics criteria. Collection method: clinical testing. Allele origin: unknown.

Labcorp Genetics (formerly Invitae), Labcorp
Classification: Likely benign for Ataxia-telangiectasia syndrome. Last evaluated: 2025-09-08. Review status: criteria provided, single submitter. Criteria: Invitae Variant Classification Sherloc (09022015). Collection method: clinical testing. Allele origin: germline.

Myriad Genetics, Inc.
Classification: Benign for Familial cancer of breast. Last evaluated: 2024-05-15. Review status: criteria provided, single submitter. Criteria: Myriad Autosomal Dominant, Autosomal Recessive and X-Linked Classification Criteria (2023). Collection method: clinical testing. Allele origin: unknown.
Comment: This variant is considered benign. This variant is a silent/synonymous amino acid change and it is not expected to impact splicing.

Color Diagnostics, LLC DBA Color Health
Classification: Uncertain significance for Hereditary cancer-predisposing syndrome. Last evaluated: 2023-08-29. Review status: criteria provided, single submitter. Criteria: ACMG Guidelines, 2015. Collection method: clinical testing. Allele origin: germline.
Comment: This variant is located in the ATM protein. To our knowledge, functional studies have not been reported for this variant. This variant has not been reported in individuals affected with ATM-related disorders in the literature. This variant has not been identified in the general population by the Genome Aggregation Database (gnomAD). The available evidence is insufficient to determine the role of this variant in disease conclusively. Therefore, this variant is classified as a Variant of Uncertain Significance.

Ambry Genetics
Classification: Likely benign for Hereditary cancer-predisposing syndrome. Last evaluated: 2018-12-20. Review status: criteria provided, single submitter. Criteria: Ambry Variant Classification Scheme 2023. Collection method: clinical testing. Allele origin: germline.